The following is an entry in ClinVar:

ClinVar aggregate classification (germline): Conflicting classifications of pathogenicity. Review status: criteria provided, conflicting classifications (1 of 4 stars). 2 submissions from 2 submitters: Pathogenic (1); Uncertain significance (1). Last evaluated 2026-09-08.

Conditions:
Fabry disease. Also called: Angiokeratoma corporis diffusum; Fabry's disease; ALPHA-GALACTOSIDASE A DEFICIENCY; ANDERSON-FABRY DISEASE; CERAMIDE TRIHEXOSIDASE DEFICIENCY; Ceramide trihexosidosis. Identifiers: Orphanet 324, MedGen C0002986, MONDO:0010526, OMIM 301500, HP:0001071. Disease mechanism: Fabry disease is due to inactivating mutations in the X-linked GLA gene resulting in deficiency of the enzyme Alpha Galactosidase-A., loss of function.

Submissions (2):

Genomenon, Inc
Classification: Pathogenic for Fabry disease. Last evaluated: 2026-09-08. Review status: criteria provided, single submitter. Criteria: Genomenon Sequence Variant Interpretation Standards - Updated. Collection method: curation. Allele origin: germline. Affected: yes.
Comment: GLA p.Ala288Asp (c.863C>A) is a missense variant that changes the amino acid at codon 288 from Alanine to Aspartic acid. This variant has been observed in at least one proband with clinical features consistent with Fabry disease (PMID:26880903;7531540;26340726;30477121;25143556;22187137;27585509;25896551;39980015;14505049;39182239;19346951). The variant was found to segregate with disease in at least one affected family (PMID:25143556;27585509). At least one functional study has demonstrated a substantial alteration in protein function relative to the wild-type (PMID:22773828;27657681). It is absent or not present at a significant frequency in gnomAD. In silico models predict that this variant is possibly or probably damaging. In conclusion, we classify GLA p.Ala288Asp (c.863C>A) as a pathogenic variant.

Labcorp Genetics (formerly Invitae), Labcorp
Classification: Uncertain significance for Fabry disease. Last evaluated: 2023-12-09. Review status: criteria provided, single submitter. Criteria: Invitae Variant Classification Sherloc (09022015). Collection method: clinical testing. Allele origin: germline.
Comment: This sequence change replaces alanine, which is neutral and non-polar, with aspartic acid, which is acidic and polar, at codon 288 of the GLA protein (p.Ala288Asp). This variant is not present in population databases (gnomAD no frequency). This missense change has been observed in individuals with Fabry disease (PMID: 7531540, 15776423, 30477121). Advanced modeling of protein sequence and biophysical properties (such as structural, functional, and spatial information, amino acid conservation, physicochemical variation, residue mobility, and thermodynamic stability) performed at Invitae indicates that this missense variant is expected to disrupt GLA protein function with a positive predictive value of 80%. Experimental studies have shown that this missense change affects GLA function (PMID: 22773828). This variant disrupts the p.Ala288 amino acid residue in GLA. Other variant(s) that disrupt this residue have been observed in individuals with GLA-related conditions (PMID: 7531540, 12175777, 30477121), which suggests that this may be a clinically significant amino acid residue. In summary, the available evidence is currently insufficient to determine the role of this variant in disease. Therefore, it has been classified as a Variant of Uncertain Significance.

Literature cited by the submitters: PubMed 26880903 (cited by Genomenon, Inc); PubMed 7531540 (cited by Genomenon, Inc and Labcorp Genetics (formerly Invitae), Labcorp); PubMed 26340726 (cited by Genomenon, Inc); PubMed 30477121 (cited by Genomenon, Inc and Labcorp Genetics (formerly Invitae), Labcorp); PubMed 25143556 (cited by Genomenon, Inc); PubMed 22187137 (cited by Genomenon, Inc); PubMed 27585509 (cited by Genomenon, Inc); PubMed 25896551 (cited by Genomenon, Inc); PubMed 39980015 (cited by Genomenon, Inc); PubMed 14505049 (cited by Genomenon, Inc); PubMed 39182239 (cited by Genomenon, Inc); PubMed 19346951 (cited by Genomenon, Inc); PubMed 22773828 (cited by Genomenon, Inc and Labcorp Genetics (formerly Invitae), Labcorp); PubMed 27657681 (cited by Genomenon, Inc); PubMed 15776423 (cited by Labcorp Genetics (formerly Invitae), Labcorp); PubMed 12175777 (cited by Labcorp Genetics (formerly Invitae), Labcorp).

NM_000169.3(GLA):c.863C>A (p.Ala288Asp)

Genes: GLA (galactosidase alpha; minus strand), RPL36A-HNRNPH2 (RPL36A-HNRNPH2 readthrough; plus strand). Cytogenetic location: Xq22.1.
Variant type: single nucleotide variant.
Coding change: c.863C>A on transcript NM_000169.3 (MANE Select); coding-DNA position 863, C replaced by A.
Protein change: p.Ala288Asp; replaces alanine 288 with aspartic acid.
Molecular consequence: missense variant. On other transcripts: non-coding transcript variant (3), intron variant (2).
Genome position (GRCh38, 1-based): chrX:101,398,506, G>T on the plus strand (C>A on the coding strand, the complement: GLA is on the minus strand). VCF-style: chrX-101398506-G-T. GRCh37 (hg19) VCF-style: chrX-100653494-G-T.
Other names: c.986C>A, p.Ala329Asp (NM_001406747.1); c.863C>A, p.Ala288Asp (NM_001406748.1); c.300+3049G>T (NM_001199973.2); c.177+6684G>T (NM_001199974.2); short protein forms A288D, A329D.
Identifiers: ClinVar variation 2737314 (VCV002737314.5), dbSNP rs869312437, ClinGen allele CA352808.